The following is an entry in ClinVar:

ClinVar aggregate classification (germline): Uncertain significance (1 of 4 stars; one submission).

Conditions:
WDPCP-related disorder. Also called: WDPCP-related condition.

gnomAD v4.1: 3 of 1,612,832 alleles (0.00019%); highest among the groups gnomAD compares: East Asian, 0.0022%; no homozygotes.

Submission:

PreventionGenetics, part of Exact Sciences
Classification: Uncertain significance for WDPCP-related condition. Last evaluated: 2026-07-02. Review status: criteria provided, single submitter. Criteria: ACMG Guidelines, 2015. Collection method: clinical testing. Allele origin: germline.
Comment: The WDPCP c.343C>T variant is predicted to result in the amino acid substitution p.Arg115Trp. To our knowledge, this variant has not been reported in the literature. This variant is reported in 0.0056% of alleles in individuals of East Asian descent in gnomAD. At this time, the clinical significance of this variant is uncertain due to the absence of conclusive functional and genetic evidence.

NM_015910.7(WDPCP):c.343C>T (p.Arg115Trp)

Gene: WDPCP (WD repeat containing planar cell polarity effector; minus strand). Cytogenetic location: 2p15.
Variant type: single nucleotide variant.
Coding change: c.343C>T on transcript NM_015910.7 (MANE Select); coding-DNA position 343, C replaced by T.
Protein change: p.Arg115Trp; replaces arginine 115 with tryptophan.
Molecular consequence: missense variant. On other transcripts: non-coding transcript variant (2).
Genome position (GRCh38, 1-based): chr2:63,484,645, G>A on the plus strand (C>T on the coding strand, the complement: WDPCP is on the minus strand). VCF-style: chr2-63484645-G-A. GRCh37 (hg19) VCF-style: chr2-63711779-G-A.
Other names: c.271C>T, p.Arg91Trp (NM_001354044.2); c.343C>T, p.Arg115Trp (NM_001354045.2); short protein forms R115W, R91W.
Identifiers: ClinVar variation 4989357 (VCV004989357.1).